The following is an entry in ClinVar:

NM_000399.3(EGR2):c.-3195C>T

Gene: EGR2 (early growth response 2; minus strand). Cytogenetic location: 10q21.3.
Variant type: single nucleotide variant.
Coding change: c.-3195C>T on transcript NM_000399.3; 3195 bases upstream of the start codon, C replaced by T.
Genome position (GRCh38, 1-based): chr10:62,819,224, G>A on the plus strand (C>T on the coding strand, the complement: EGR2 is on the minus strand). VCF-style: chr10-62819224-G-A. GRCh37 (hg19) VCF-style: chr10-64578984-G-A.
Identifiers: ClinVar variation 680029 (VCV000680029.4), dbSNP rs648748, ClinGen allele CA13156854.

ClinVar aggregate classification (germline): Benign. Review status: criteria provided, multiple submitters, no conflicts (2 of 4 stars). 2 submissions from 2 submitters: Benign (2). Last evaluated 2018-06-20.

Allele frequency attached by ClinVar (database versions not stated): 1000 Genomes Project 30x 0.38054; gnomAD exomes 0.31437; 1000 Genomes Project 0.39018; gnomAD 0.37327 and 0.37985; TOPMed 0.36448.

Submissions (2):

GeneDx
Classification: Benign. Last evaluated: 2018-06-20. Review status: criteria provided, single submitter. Criteria: GeneDx Variant Classification (06012015). Collection method: clinical testing. Allele origin: germline. Affected: yes.
Comment: This variant is considered likely benign or benign based on one or more of the following criteria: it is a conservative change, it occurs at a poorly conserved position in the protein, it is predicted to be benign by multiple in silico algorithms, and/or has population frequency not consistent with disease.

Breakthrough Genomics
Classification: Benign. Review status: criteria provided, single submitter. Criteria: ACMG Guidelines, 2015. Collection method: not provided. Allele origin: germline. Inheritance: Autosomal recessive inheritance. Affected: yes.